The following is an entry in ClinVar:

ClinVar aggregate classification (germline): Uncertain significance. Review status: criteria provided, multiple submitters, no conflicts (2 of 4 stars). 5 submissions from 5 submitters: Uncertain significance (5). Last evaluated 2023-04-11.

Conditions:
Microcephaly 5, primary, autosomal recessive (MCPH5). Also called: ASPM Primary Microcephaly. Identifiers: Orphanet 2512, MedGen C1837501, MONDO:0012106, OMIM 608716.

Allele frequency attached by ClinVar (database versions not stated): 1000 Genomes Project 30x 0.00016; TOPMed 0.00011.
gnomAD v4.1: 126 of 1,611,584 alleles (0.0078%); highest among the groups gnomAD compares: Middle Eastern, 0.28%; no homozygotes.

Submissions (5):

Genome-Nilou Lab
Classification: Uncertain significance for Microcephaly 5, primary, autosomal recessive. Last evaluated: 2023-04-11. Review status: criteria provided, single submitter. Criteria: ACMG Guidelines, 2015. Collection method: clinical testing. Allele origin: germline. Affected: no.

Labcorp Genetics (formerly Invitae), Labcorp
Classification: Uncertain significance. Last evaluated: 2021-11-25. Review status: criteria provided, single submitter. Criteria: Invitae Variant Classification Sherloc (09022015). Collection method: clinical testing. Allele origin: germline.
Comment: This sequence change replaces leucine, which is neutral and non-polar, with proline, which is neutral and non-polar, at codon 3132 of the ASPM protein (p.Leu3132Pro). This variant is present in population databases (rs36004306, gnomAD 0.02%). This missense change has been observed in individual(s) with primary microcephaly, however a second variant was not identified (PMID: 23611254). ClinVar contains an entry for this variant (Variation ID: 157911). Algorithms developed to predict the effect of missense changes on protein structure and function are either unavailable or do not agree on the potential impact of this missense change (SIFT: "Deleterious"; PolyPhen-2: "Possibly Damaging"; Align-GVGD: "Class C0"). In summary, the available evidence is currently insufficient to determine the role of this variant in disease. Therefore, it has been classified as a Variant of Uncertain Significance.

GeneDx
Classification: Uncertain significance. Last evaluated: 2020-04-15. Review status: criteria provided, single submitter. Criteria: GeneDx Variant Classification Process June 2021. Collection method: clinical testing. Allele origin: germline. Affected: yes.
Comment: Has not been previously published as pathogenic or benign to our knowledge; In silico analysis supports that this missense variant has a deleterious effect on protein structure/function; Missense variant in a gene in which most reported pathogenic variants are truncating/loss-of-function

Eurofins Ntd Llc (ga)
Classification: Uncertain significance. Last evaluated: 2016-08-11. Review status: criteria provided, single submitter. Criteria: EGL Classification Definitions 2015. Collection method: clinical testing. Allele origin: germline. Observed: 1 variant allele, 1 heterozygote.

Genetic Services Laboratory, University of Chicago
Classification: Uncertain significance for Microcephaly 5, primary, autosomal recessive. Last evaluated: 2013-02-08. Review status: criteria provided, single submitter. Criteria: ACMG Guidelines, 2007. Collection method: clinical testing. Allele origin: germline. Inheritance: Autosomal recessive inheritance.

Literature cited by the submitters: PubMed 23611254 (cited by Labcorp Genetics (formerly Invitae), Labcorp).

NM_018136.5(ASPM):c.9395T>C (p.Leu3132Pro)

Gene: ASPM (assembly factor for spindle microtubules; minus strand). Cytogenetic location: 1q31.3.
Variant type: single nucleotide variant.
Coding change: c.9395T>C on transcript NM_018136.5 (MANE Select); coding-DNA position 9395, T replaced by C.
Protein change: p.Leu3132Pro; replaces leucine 3132 with proline.
Molecular consequence: missense variant.
Genome position (GRCh38, 1-based): chr1:197,091,956, A>G on the plus strand (T>C on the coding strand, the complement: ASPM is on the minus strand). VCF-style: chr1-197091956-A-G. GRCh37 (hg19) VCF-style: chr1-197061086-A-G.
Other names: c.4640T>C, p.Leu1547Pro (NM_001206846.2); short protein forms L3132P, L1547P.
Identifiers: ClinVar variation 157911 (VCV000157911.15), dbSNP rs36004306, ClinGen allele CA271147.